The following is an entry in ClinVar:

ClinVar aggregate classification (germline): Likely benign. Review status: criteria provided, multiple submitters, no conflicts (2 of 4 stars). 2 submissions from 2 submitters: Likely benign (2). Last evaluated 2024-12-01.

Conditions:
Inborn genetic diseases. Identifiers: MedGen C0950123, MeSH D030342.

Allele frequency attached by ClinVar (database versions not stated): gnomAD 0.00006; 1000 Genomes Project 30x 0.00021; 1000 Genomes Project 0.00026; gnomAD exomes 0.00001; TOPMed 0.00003; ExAC 0.00005.

Submissions (2):

CeGaT Center for Human Genetics Tuebingen
Classification: Likely benign. Last evaluated: 2024-12-01. Review status: criteria provided, single submitter. Criteria: CeGaT Center For Human Genetics Tuebingen Variant Classification Criteria Version 2. Collection method: clinical testing. Allele origin: germline. Affected: yes. Observed: 1 variant allele.
Comment: PHKA2: BS2

Ambry Genetics
Classification: Likely benign for Inborn genetic diseases. Last evaluated: 2021-10-13. Review status: criteria provided, single submitter. Criteria: Ambry Variant Classification Scheme 2023. Collection method: clinical testing. Allele origin: germline.

NM_000292.3(PHKA2):c.604G>A (p.Val202Ile)

Gene: PHKA2 (phosphorylase kinase regulatory subunit alpha 2; minus strand). Cytogenetic location: Xp22.13.
Variant type: single nucleotide variant.
Coding change: c.604G>A on transcript NM_000292.3 (MANE Select); coding-DNA position 604, G replaced by A.
Protein change: p.Val202Ile; replaces valine 202 with isoleucine.
Molecular consequence: missense variant.
Genome position (GRCh38, 1-based): chrX:18,945,092, C>T on the plus strand (G>A on the coding strand, the complement: PHKA2 is on the minus strand). VCF-style: chrX-18945092-C-T. GRCh37 (hg19) VCF-style: chrX-18963210-C-T.
Other names: short protein forms V202I.
Identifiers: ClinVar variation 2205241 (VCV002205241.15), dbSNP rs775438101, ClinGen allele CA10362079.